The following is an entry in ClinVar:

NM_004655.4(AXIN2):c.36C>G (p.Asp12Glu)

Gene: AXIN2 (axin 2; minus strand). Cytogenetic location: 17q24.1.
Variant type: single nucleotide variant.
Coding change: c.36C>G on transcript NM_004655.4 (MANE Select); coding-DNA position 36, C replaced by G.
Protein change: p.Asp12Glu; replaces aspartic acid 12 with glutamic acid.
Molecular consequence: missense variant.
Genome position (GRCh38, 1-based): chr17:65,558,585, G>C on the plus strand (C>G on the coding strand, the complement: AXIN2 is on the minus strand). VCF-style: chr17-65558585-G-C. GRCh37 (hg19) VCF-style: chr17-63554703-G-C.
Other names: c.36C>G, p.Asp12Glu (NM_001363813.1); short protein forms D12E.
Identifiers: ClinVar variation 1734065 (VCV001734065.3), dbSNP rs2144592081, ClinGen allele CA400682420.
Genomic context (GRCh38, chr17:65,558,585, plus strand): 5'-CTCCCCTTCTTCCCCTGGCACTGGGGGCCGCGGGGCATCCTCACGGAAGCTGCTGCTGGG[G>C]TCCGGGAGGCAAGTCACCAACATAGCGCTACTCATGGTGAGGGAGCTCTTCCCACTGAGT-3'
Protein context (NP_004646.3, residues 2-22): SSAMLVTCLP[Asp12Glu]PSSSFREDAP

ClinVar aggregate classification (germline): Uncertain significance (1 of 4 stars; one submission).

Conditions:
Hereditary cancer-predisposing syndrome. Also called: Neoplastic Syndromes, Hereditary; Tumor predisposition; Hereditary Cancer Syndrome; Hereditary neoplastic syndrome. Identifiers: Orphanet 140162, MedGen C0027672, MeSH D009386, MONDO:0015356.

Submission:

Ambry Genetics
Classification: Uncertain significance for Hereditary cancer-predisposing syndrome. Last evaluated: 2024-09-19. Review status: criteria provided, single submitter. Criteria: Ambry Variant Classification Scheme 2023. Collection method: clinical testing. Allele origin: germline.
Comment: The p.D12E variant (also known as c.36C>G), located in coding exon 1 of the AXIN2 gene, results from a C to G substitution at nucleotide position 36. The aspartic acid at codon 12 is replaced by glutamic acid, an amino acid with highly similar properties. This amino acid position is well conserved in available vertebrate species. In addition, this alteration is predicted to be tolerated by in silico analysis. Based on the available evidence, the clinical significance of this variant remains unclear.